The following is an entry in ClinVar:

ClinVar aggregate classification (germline): Uncertain significance (1 of 4 stars; one submission).

Allele frequency attached by ClinVar (database versions not stated): gnomAD exomes 0.00001; TOPMed below 0.00001; gnomAD 0.00001.
gnomAD v4.1: 10 of 1,613,762 alleles (0.00062%); highest among the groups gnomAD compares: Non-Finnish European, 0.00076%; no homozygotes.

Submission:

GeneDx
Classification: Uncertain significance. Last evaluated: 2024-09-29. Review status: criteria provided, single submitter. Criteria: GeneDx Variant Classification Process June 2021. Collection method: clinical testing. Allele origin: germline.
Comment: Not observed at significant frequency in large population cohorts (gnomAD); In silico analysis supports that this missense variant has a deleterious effect on protein structure/function; Has not been previously published as pathogenic or benign to our knowledge

NM_002471.4(MYH6):c.4592T>G (p.Val1531Gly)

Gene: MYH6 (myosin heavy chain 6; minus strand). Cytogenetic location: 14q11.2.
Variant type: single nucleotide variant.
Coding change: c.4592T>G on transcript NM_002471.4 (MANE Select); coding-DNA position 4592, T replaced by G.
Protein change: p.Val1531Gly; replaces valine 1531 with glycine.
Molecular consequence: missense variant.
Genome position (GRCh38, 1-based): chr14:23,387,587, A>C on the plus strand (T>G on the coding strand, the complement: MYH6 is on the minus strand). VCF-style: chr14-23387587-A-C. GRCh37 (hg19) VCF-style: chr14-23856796-A-C.
Other names: short protein forms V1531G.
Identifiers: ClinVar variation 1707746 (VCV001707746.3), dbSNP rs1400535472, ClinGen allele CA388996096.
Genomic context (GRCh38, chr14:23,387,587, plus strand): 5'-ACCTCTGCCTCCTCCAGGGCTGACTGCAGCTCCAGCTTCTCCACCTCCAGCTGTTTGCGG[A>C]CCTTCTCCAGCTCATGCACATTCTTTCCTCCTTCTCCTAGCTGCTCAGTAAGGTCCGAGA-3'
Protein context (NP_002462.2, residues 1521-1541): GGKNVHELEK[Val1531Gly]RKQLEVEKLE